The following is an entry in ClinVar:

ClinVar aggregate classification (germline): Uncertain significance (1 of 4 stars; one submission).

gnomAD v4.1: 1 of 1,613,150 alleles (0.000062%); highest among the groups gnomAD compares: South Asian, 0.0011%; no homozygotes.

Submission:

Mayo Clinic Laboratories, Mayo Clinic
Classification: Uncertain significance. Last evaluated: 2024-08-23. Review status: criteria provided, single submitter. Criteria: ACMG Guidelines, 2015. Collection method: clinical testing. Allele origin: germline. Observed: 1 variant allele.
Comment: PM2

NM_002972.4(SBF1):c.3325G>T (p.Ala1109Ser)

Gene: SBF1 (SET binding factor 1; minus strand). Cytogenetic location: 22q13.33.
Variant type: single nucleotide variant.
Coding change: c.3325G>T on transcript NM_002972.4 (MANE Select); coding-DNA position 3325, G replaced by T.
Protein change: p.Ala1109Ser; replaces alanine 1109 with serine.
Molecular consequence: missense variant.
Genome position (GRCh38, 1-based): chr22:50,460,118, C>A on the plus strand (G>T on the coding strand, the complement: SBF1 is on the minus strand). VCF-style: chr22-50460118-C-A. GRCh37 (hg19) VCF-style: chr22-50898547-C-A.
Other names: p.Ala1109Ser; c.3328G>T, p.Ala1110Ser (NM_001365819.1, NM_001410794.1); c.3325G>T, p.Ala1109Ser (NM_001410795.1); short protein forms A1109S, A1110S.
Identifiers: ClinVar variation 3380731 (VCV003380731.1).